The following is an entry in ClinVar:

ClinVar aggregate classification (germline): Uncertain significance (1 of 4 stars; one submission).

Allele frequency attached by ClinVar (database versions not stated): gnomAD exomes 0.00001; TOPMed 0.00001; ExAC 0.00003; gnomAD 0.00003.
gnomAD v4.1: 15 of 1,602,166 alleles (0.00094%); highest among the groups gnomAD compares: East Asian, 0.034%; no homozygotes.

Submission:

Labcorp Genetics (formerly Invitae), Labcorp
Classification: Uncertain significance. Last evaluated: 2022-08-09. Review status: criteria provided, single submitter. Criteria: Invitae Variant Classification Sherloc (09022015). Collection method: clinical testing. Allele origin: germline.
Comment: This variant has not been reported in the literature in individuals affected with IFT57-related conditions. This sequence change replaces glutamine, which is neutral and polar, with histidine, which is basic and polar, at codon 378 of the IFT57 protein (p.Gln378His). This variant is present in population databases (rs751345291, gnomAD 0.06%), and has an allele count higher than expected for a pathogenic variant. Algorithms developed to predict the effect of missense changes on protein structure and function are either unavailable or do not agree on the potential impact of this missense change (SIFT: "Deleterious"; PolyPhen-2: "Probably Damaging"; Align-GVGD: "Class C0"). In summary, the available evidence is currently insufficient to determine the role of this variant in disease. Therefore, it has been classified as a Variant of Uncertain Significance.

NM_018010.4(IFT57):c.1134G>C (p.Gln378His)

Gene: IFT57 (intraflagellar transport 57; minus strand). Cytogenetic location: 3q13.12.
Variant type: single nucleotide variant.
Coding change: c.1134G>C on transcript NM_018010.4 (MANE Select); coding-DNA position 1134, G replaced by C.
Protein change: p.Gln378His; replaces glutamine 378 with histidine.
Molecular consequence: missense variant.
Genome position (GRCh38, 1-based): chr3:108,162,633, C>G on the plus strand (G>C on the coding strand, the complement: IFT57 is on the minus strand). VCF-style: chr3-108162633-C-G. GRCh37 (hg19) VCF-style: chr3-107881480-C-G.
Other names: short protein forms Q378H.
Identifiers: ClinVar variation 1914979 (VCV001914979.5), dbSNP rs751345291, ClinGen allele CA2526449.
Genomic context (GRCh38, chr3:108,162,633, plus strand): 5'-TTCCACAATGCCAATTCTAATGTCCATCTCTACAGTTTCTTGCTTCAGTTTTGTTAAGCT[C>G]TGTTTAATCTTCACCAAAGGAGCTGCAGAATGAAAATAACATGAAATAAAAATGTTCATT-3'
Protein context (NP_060480.1, residues 368-388): TDGAPLVKIK[Gln378His]SLTKLKQETV